The following is an entry in ClinVar:

NM_004360.5(CDH1):c.*313C>T

Gene: CDH1 (cadherin 1; plus strand). Cytogenetic location: 16q22.1.
Variant type: single nucleotide variant.
Coding change: c.*313C>T on transcript NM_004360.5 (MANE Select); 313 bases downstream of the stop codon, C replaced by T.
Molecular consequence: 3 prime UTR variant.
Genome position (GRCh38, 1-based): chr16:68,833,812, C>T. VCF-style: chr16-68833812-C-T. GRCh37 (hg19) VCF-style: chr16-68867715-C-T.
Other names: c.*313C>T (NM_001317184.2, NM_001317185.2, NM_001317186.2).
Identifiers: ClinVar variation 2646665 (VCV002646665.24), dbSNP rs36040126, ClinGen allele CA283319931.

ClinVar aggregate classification (germline): Likely benign (1 of 4 stars; one submission).

Allele frequency attached by ClinVar (database versions not stated): TOPMed 0.00070; gnomAD exomes 0.00080; gnomAD 0.00062.
gnomAD v4.1: 303 of 418,022 alleles (0.072%); highest among the groups gnomAD compares: Non-Finnish European, 0.12%; 1 homozygote.

Submission:

CeGaT Center for Human Genetics Tuebingen
Classification: Likely benign. Last evaluated: 2023-01-01. Review status: criteria provided, single submitter. Criteria: CeGaT Center For Human Genetics Tuebingen Variant Classification Criteria Version 2. Collection method: clinical testing. Allele origin: germline. Affected: yes. Observed: 2 variant alleles.
Comment: CDH1: BS1